The following is an entry in ClinVar:

NM_001128178.3(NPHP1):c.415GAAGAG[1] (p.Glu141_Glu142del)

Gene: NPHP1 (nephrocystin 1; minus strand). Cytogenetic location: 2q13.
Variant type: Microsatellite.
Coding change: c.415GAAGAG[1] on transcript NM_001128178.3 (MANE Select); one copy of the 6-base unit GAAGAG starting at c.415; the reference has two copies in a row; one copy, 6 bases deleted.
Protein change: p.Glu141_Glu142del.
Molecular consequence: inframe deletion.
Genome position (GRCh38, 1-based): chr2:110,169,902-110,169,907, CTCTTC deleted on the plus strand (GAAGAG on the coding strand, the reverse complement: NPHP1 is on the minus strand); deleting any 6 consecutive bases within chr2:110,169,902-110,169,916 gives the same sequence; the position shown is the placement nearest the transcript's 3' end. VCF-style (leftmost placement, unchanged base first): chr2-110169901-TCTCTTC-T. GRCh37 (hg19) VCF-style: chr2-110927478-TCTCTTC-T.
Other names: c.421_426delGAAGAG (NM_000272.3); c.415GAAGAG[1], p.Glu141_Glu142del (NM_000272.5, NM_001374256.1, NM_001374257.1 and 1 more transcripts); c.229GAAGAG[1], p.Glu79_Glu80del (NM_001128179.3).
Identifiers: ClinVar variation 197652 (VCV000197652.19), dbSNP rs777574728, ClinGen allele CA245907.

ClinVar aggregate classification (germline): Conflicting classifications of pathogenicity. Review status: criteria provided, conflicting classifications (1 of 4 stars). 7 submissions from 7 submitters: Uncertain significance (5); Likely benign (1). 1 of the submissions does not count toward it. Last evaluated 2025-12-30.

Conditions:
Inborn genetic diseases. Identifiers: MedGen C0950123, MeSH D030342.
NPHP1-related disorder. Also called: NPHP1-related condition; NPHP1-related disorders.
Nephronophthisis. Also called: Juvenile Nephronophthisis. Identifiers: Orphanet 655, MedGen C0687120, MONDO:0019005, HP:0000090.

Submissions (7):

Labcorp Genetics (formerly Invitae), Labcorp
Classification: Uncertain significance for Nephronophthisis. Last evaluated: 2025-12-30. Review status: criteria provided, single submitter. Criteria: Invitae Variant Classification Sherloc (09022015). Collection method: clinical testing. Allele origin: germline.
Comment: This variant, c.421_426del, results in the deletion of 2 amino acid(s) of the NPHP1 protein (p.Glu141_Glu142del), but otherwise preserves the integrity of the reading frame. This variant is present in population databases (rs777574728, gnomAD 0.2%). This variant has not been reported in the literature in individuals affected with NPHP1-related conditions. ClinVar contains an entry for this variant (Variation ID: 197652). Experimental studies and prediction algorithms are not available or were not evaluated, and the functional significance of this variant is currently unknown. In summary, the available evidence is currently insufficient to determine the role of this variant in disease. Therefore, it has been classified as a Variant of Uncertain Significance.

Blueprint Genetics
Classification: Uncertain significance. Last evaluated: 2024-07-15. Review status: criteria provided, single submitter. Criteria: ACMG Guidelines, 2015. Collection method: clinical testing. Allele origin: germline.

GeneDx
Classification: Uncertain significance. Last evaluated: 2023-08-17. Review status: criteria provided, single submitter. Criteria: GeneDx Variant Classification Process June 2021. Collection method: clinical testing. Allele origin: germline. Affected: yes.
Comment: In-frame deletion of 2 amino acids in a non-repeat region; In silico analysis supports a deleterious effect on protein structure/function; Has not been previously published as pathogenic or benign to our knowledge

Ambry Genetics
Classification: Likely benign for Inborn genetic diseases. Last evaluated: 2022-08-19. Review status: criteria provided, single submitter. Criteria: Ambry Variant Classification Scheme 2023. Collection method: clinical testing. Allele origin: germline.

Women's Health and Genetics/Laboratory Corporation of America, LabCorp
Classification: Uncertain significance. Last evaluated: 2022-05-19. Review status: criteria provided, single submitter. Criteria: LabCorp Variant Classification Summary - May 2015. Collection method: clinical testing. Allele origin: germline.
Comment: Variant summary: NPHP1 c.421_426delGAAGAG (p.Glu141_Glu142del) results in an in-frame deletion that is predicted to remove 2 amino acids from the encoded protein. The variant allele was found at a frequency of 0.00013 in 248316 control chromosomes (gnomAD), predominantly at a frequency of 0.0018 within the African or African-American subpopulation in the gnomAD database. The observed variant frequency within African or African-American control individuals in the gnomAD database is approximately 3.22 fold of the estimated maximal expected allele frequency for a pathogenic variant in NPHP1 causing Joubert Syndrome And Related Disorders phenotype (0.00056), suggesting that the variant is a benign polymorphism found primarily in populations of African or African-American origin. To our knowledge, no occurrence of c.421_426delGAAGAG in individuals affected with Joubert Syndrome And Related Disorders and no experimental evidence demonstrating its impact on protein function have been reported. Three ClinVar submitters have assessed the variant since 2014: all classified the variant as of uncertain significance. Based on the evidence outlined above, the variant was classified as VUS.

Eurofins Ntd Llc (ga)
Classification: Uncertain significance. Last evaluated: 2018-03-19. Review status: criteria provided, single submitter. Criteria: EGL ClinVar v180209 classification definitions. Collection method: clinical testing. Allele origin: germline. Observed: 4 variant alleles, 4 heterozygotes.

PreventionGenetics, part of Exact Sciences
Classification: Likely benign for NPHP1-related condition. Last evaluated: 2022-02-16. Review status: no assertion criteria provided. Collection method: clinical testing. Allele origin: germline. Not counted in ClinVar's aggregate classification.
Comment: This variant is classified as likely benign based on ACMG/AMP sequence variant interpretation guidelines (Richards et al. 2015 PMID: 25741868, with internal and published modifications).